The following is an entry in ClinVar:

NM_000429.3(MAT1A):c.637A>G (p.Ile213Val)

Gene: MAT1A (methionine adenosyltransferase 1A; minus strand). Cytogenetic location: 10q22.3.
Variant type: single nucleotide variant.
Coding change: c.637A>G on transcript NM_000429.3 (MANE Select); coding-DNA position 637, A replaced by G.
Protein change: p.Ile213Val; replaces isoleucine 213 with valine.
Molecular consequence: missense variant.
Genome position (GRCh38, 1-based): chr10:80,276,507, T>C on the plus strand (A>G on the coding strand, the complement: MAT1A is on the minus strand). VCF-style: chr10-80276507-T-C. GRCh37 (hg19) VCF-style: chr10-82036263-T-C.
Other names: short protein forms I213V.
Identifiers: ClinVar variation 2793162 (VCV002793162.3), dbSNP rs2492489517, ClinGen allele CA377362157.

ClinVar aggregate classification (germline): Uncertain significance (1 of 4 stars; one submission).

Conditions:
Hepatic methionine adenosyltransferase deficiency. Also called: Deficiency of methionine adenosyltransferase; Isolated Persistent Hypermethioninemia; Methionine adenosyltransferase deficiency; MAT I/III DEFICIENCY. Identifiers: Orphanet 168598, MedGen C0268621, MeSH C564683, MONDO:0009607, OMIM 250850.

Submission:

Labcorp Genetics (formerly Invitae), Labcorp
Classification: Uncertain significance for Hepatic methionine adenosyltransferase deficiency. Last evaluated: 2023-11-14. Review status: criteria provided, single submitter. Criteria: Invitae Variant Classification Sherloc (09022015). Collection method: clinical testing. Allele origin: germline.
Comment: This sequence change replaces isoleucine, which is neutral and non-polar, with valine, which is neutral and non-polar, at codon 213 of the MAT1A protein (p.Ile213Val). This variant is not present in population databases (gnomAD no frequency). This variant has not been reported in the literature in individuals affected with MAT1A-related conditions. Advanced modeling of protein sequence and biophysical properties (such as structural, functional, and spatial information, amino acid conservation, physicochemical variation, residue mobility, and thermodynamic stability) performed at Invitae indicates that this missense variant is not expected to disrupt MAT1A protein function with a negative predictive value of 80%. In summary, the available evidence is currently insufficient to determine the role of this variant in disease. Therefore, it has been classified as a Variant of Uncertain Significance.